The following is an entry in ClinVar:

ClinVar aggregate classification (germline): Conflicting classifications of pathogenicity. Review status: criteria provided, conflicting classifications (1 of 4 stars). 7 submissions from 7 submitters: Uncertain significance (6); Likely benign (1). Last evaluated 2026-01-20.

Conditions:
Nemaline myopathy 2 (NEM2). Also called: Nemaline myopathy 2, autosomal recessive. Identifiers: MedGen C1850569, MONDO:0009725, OMIM 256030.
Inborn genetic diseases. Identifiers: MedGen C0950123, MeSH D030342.

Allele frequency attached by ClinVar (database versions not stated): gnomAD exomes 0.00014 and 0.00027; gnomAD 0.00015 and 0.00016; 1000 Genomes Project 30x 0.00016; 1000 Genomes Project 0.00020; TOPMed 0.00022; ESP Exome Variant Server 0.00033; ExAC 0.00038.

Submissions (7):

Labcorp Genetics (formerly Invitae), Labcorp
Classification: Likely benign for Nemaline myopathy 2. Last evaluated: 2026-01-20. Review status: criteria provided, single submitter. Criteria: Invitae Variant Classification Sherloc (09022015). Collection method: clinical testing. Allele origin: germline.

CeGaT Center for Human Genetics Tuebingen
Classification: Uncertain significance. Last evaluated: 2025-01-01. Review status: criteria provided, single submitter. Criteria: CeGaT Center For Human Genetics Tuebingen Variant Classification Criteria Version 2. Collection method: clinical testing. Allele origin: germline. Affected: yes. Observed: 2 variant alleles.
Comment: NEB: PM2:Supporting, BP4

Blueprint Genetics
Classification: Uncertain significance. Last evaluated: 2024-11-26. Review status: criteria provided, single submitter. Criteria: ACMG Guidelines, 2015. Collection method: clinical testing. Allele origin: germline.

GeneDx
Classification: Uncertain significance. Last evaluated: 2024-11-15. Review status: criteria provided, single submitter. Criteria: GeneDx Variant Classification Process June 2021. Collection method: clinical testing. Allele origin: germline. Affected: yes.
Comment: In silico analysis indicates that this missense variant does not alter protein structure/function; Has not been previously published as pathogenic or benign to our knowledge

Revvity Omics, Revvity
Classification: Uncertain significance. Last evaluated: 2024-08-28. Review status: criteria provided, single submitter. Criteria: ACMG Guidelines, 2015. Collection method: clinical testing. Allele origin: germline.

Ambry Genetics
Classification: Uncertain significance for Inborn genetic diseases. Last evaluated: 2021-10-12. Review status: criteria provided, single submitter. Criteria: Ambry Variant Classification Scheme 2023. Collection method: clinical testing. Allele origin: germline.

Illumina Laboratory Services, Illumina
Classification: Uncertain significance for Nemaline myopathy 2. Last evaluated: 2018-03-16. Review status: criteria provided, single submitter. Criteria: ICSL Variant Classification Criteria 13 December 2019. Collection method: clinical testing. Allele origin: germline.

NM_001164508.2(NEB):c.5420C>T (p.Ala1807Val)

Gene: NEB (nebulin; minus strand). Cytogenetic location: 2q23.3.
Variant type: single nucleotide variant.
Coding change: c.5420C>T on transcript NM_001164508.2 (MANE Select); coding-DNA position 5420, C replaced by T.
Protein change: p.Ala1807Val; replaces alanine 1807 with valine.
Molecular consequence: missense variant.
Genome position (GRCh38, 1-based): chr2:151,664,532, G>A on the plus strand (C>T on the coding strand, the complement: NEB is on the minus strand). VCF-style: chr2-151664532-G-A. GRCh37 (hg19) VCF-style: chr2-152521046-G-A.
Other names: c.5420C>T, p.Ala1807Val (NM_001164507.2, NM_001271208.2, NM_004543.5); short protein forms A1807V.
Identifiers: ClinVar variation 506653 (VCV000506653.45), dbSNP rs373790988, ClinGen allele CA1910372.